The following is an entry in ClinVar:

ClinVar aggregate classification (germline): Uncertain significance (1 of 4 stars; one submission).

Allele frequency attached by ClinVar (database versions not stated): TOPMed 0.00001.
gnomAD v4.1: 5 of 1,612,948 alleles (0.00031%); highest among the groups gnomAD compares: Admixed American, 0.0083%; no homozygotes.

Submission:

Labcorp Genetics (formerly Invitae), Labcorp
Classification: Uncertain significance. Last evaluated: 2024-10-25. Review status: criteria provided, single submitter. Criteria: Invitae Variant Classification Sherloc (09022015). Collection method: clinical testing. Allele origin: germline.
Comment: This sequence change replaces isoleucine, which is neutral and non-polar, with leucine, which is neutral and non-polar, at codon 444 of the FLVCR2 protein (p.Ile444Leu). This variant is present in population databases (rs757452197, gnomAD 0.01%). This variant has not been reported in the literature in individuals affected with FLVCR2-related conditions. ClinVar contains an entry for this variant (Variation ID: 2197369). Invitae Evidence Modeling of protein sequence and biophysical properties (such as structural, functional, and spatial information, amino acid conservation, physicochemical variation, residue mobility, and thermodynamic stability) indicates that this missense variant is not expected to disrupt FLVCR2 protein function with a negative predictive value of 80%. In summary, the available evidence is currently insufficient to determine the role of this variant in disease. Therefore, it has been classified as a Variant of Uncertain Significance.

NM_017791.3(FLVCR2):c.1330A>T (p.Ile444Leu)

Gene: FLVCR2 (FLVCR choline and putative heme transporter 2; plus strand). Cytogenetic location: 14q24.3.
Variant type: single nucleotide variant.
Coding change: c.1330A>T on transcript NM_017791.3 (MANE Select); coding-DNA position 1330, A replaced by T.
Protein change: p.Ile444Leu; replaces isoleucine 444 with leucine.
Molecular consequence: missense variant.
Genome position (GRCh38, 1-based): chr14:75,641,049, A>T. VCF-style: chr14-75641049-A-T. GRCh37 (hg19) VCF-style: chr14-76107392-A-T.
Other names: c.715A>T, p.Ile239Leu (NM_001195283.2); short protein forms I239L, I444L.
Identifiers: ClinVar variation 2197369 (VCV002197369.3), dbSNP rs757452197, ClinGen allele CA7278520.